The following is an entry in ClinVar:

ClinVar aggregate classification (germline): Uncertain significance (1 of 4 stars; one submission).

Submission:

GeneDx
Classification: Uncertain significance. Last evaluated: 2023-03-10. Review status: criteria provided, single submitter. Criteria: GeneDx Variant Classification Process June 2021. Collection method: clinical testing. Allele origin: germline. Affected: yes.
Comment: Not observed at significant frequency in large population cohorts (gnomAD); In silico analysis supports that this missense variant does not alter protein structure/function; Has not been previously published as pathogenic or benign to our knowledge

NM_017617.5(NOTCH1):c.4833C>G (p.His1611Gln)

Gene: NOTCH1 (notch receptor 1; minus strand). Cytogenetic location: 9q34.3.
Variant type: single nucleotide variant.
Coding change: c.4833C>G on transcript NM_017617.5 (MANE Select); coding-DNA position 4833, C replaced by G.
Protein change: p.His1611Gln; replaces histidine 1611 with glutamine.
Molecular consequence: missense variant.
Genome position (GRCh38, 1-based): chr9:136,504,858, G>C on the plus strand (C>G on the coding strand, the complement: NOTCH1 is on the minus strand). VCF-style: chr9-136504858-G-C. GRCh37 (hg19) VCF-style: chr9-139399310-G-C.
Other names: short protein forms H1611Q.
Identifiers: ClinVar variation 2579505 (VCV002579505.1), dbSNP rs1308437413, ClinGen allele CA375644776.